The following is an entry in ClinVar:

NM_005993.5(TBCD):c.2425G>A (p.Val809Ile)

Gene: TBCD (tubulin folding cofactor D). Cytogenetic location: 17q25.3.
Variant type: single nucleotide variant.
Coding change: c.2425G>A on transcript NM_005993.5 (MANE Select); coding-DNA position 2425, G replaced by A.
Protein change: p.Val809Ile; replaces valine 809 with isoleucine.
Molecular consequence: missense variant.
Genome position (GRCh38, 1-based): chr17:82,926,445, G>A. VCF-style: chr17-82926445-G-A. GRCh37 (hg19) VCF-style: chr17-80884321-G-A.
Other names: p.Val809Ile; c.2425G>A (NM_005993.4); short protein forms V809I.
Identifiers: ClinVar variation 1426995 (VCV001426995.11), dbSNP rs534429525, ClinGen allele CA8863049.

ClinVar aggregate classification (germline): Likely benign. Review status: criteria provided, multiple submitters, no conflicts (2 of 4 stars). 3 submissions from 3 submitters: Likely benign (2). 1 of the submissions does not count toward it. Last evaluated 2025-08-21.

Conditions:
TBCD-related disorder. Also called: TBCD-related condition.

Allele frequency attached by ClinVar (database versions not stated): TOPMed 0.00010; gnomAD exomes 0.00012 and 0.00030; gnomAD 0.00014 and 0.00019; ExAC 0.00031; 1000 Genomes Project 30x 0.00109; 1000 Genomes Project 0.00120.
gnomAD v4.1: 206 of 1,614,046 alleles (0.013%); highest among the groups gnomAD compares: South Asian, 0.14%; no homozygotes.

Submissions (3):

Labcorp Genetics (formerly Invitae), Labcorp
Classification: Likely benign. Last evaluated: 2025-08-21. Review status: criteria provided, single submitter. Criteria: Invitae Variant Classification Sherloc (09022015). Collection method: clinical testing. Allele origin: germline.

Mayo Clinic Laboratories, Mayo Clinic
Classification: Likely benign. Last evaluated: 2025-02-03. Review status: criteria provided, single submitter. Criteria: ACMG Guidelines, 2015. Collection method: clinical testing. Allele origin: germline. Observed: 1 variant allele.
Comment: BS1, BP4_moderate

PreventionGenetics, part of Exact Sciences
Classification: Likely benign for TBCD-related condition. Last evaluated: 2023-09-29. Review status: no assertion criteria provided. Collection method: clinical testing. Allele origin: germline. Not counted in ClinVar's aggregate classification.
Comment: This variant is classified as likely benign based on ACMG/AMP sequence variant interpretation guidelines (Richards et al. 2015 PMID: 25741868, with internal and published modifications).